The following is an entry in ClinVar:

NM_207352.4(CYP4V2):c.1021T>C (p.Ser341Pro)

Gene: CYP4V2 (cytochrome P450 family 4 subfamily V member 2; plus strand). Cytogenetic location: 4q35.2.
Variant type: single nucleotide variant.
Coding change: c.1021T>C on transcript NM_207352.4 (MANE Select); coding-DNA position 1021, T replaced by C.
Protein change: p.Ser341Pro; replaces serine 341 with proline.
Molecular consequence: missense variant.
Genome position (GRCh38, 1-based): chr4:186,205,233, T>C. VCF-style: chr4-186205233-T-C. GRCh37 (hg19) VCF-style: chr4-187126387-T-C.
Other names: c.1325T>C; short protein forms S341P.
Identifiers: ClinVar variation 39249 (VCV000039249.3), dbSNP rs199476199, ClinGen allele CA343705.
Genomic context (GRCh38, chr4:186,205,233, plus strand): 5'-TTAAGCTATTGTTTTCTGCATTTGTAGGGGCACGATACAACTGCAGCTGCAATAAACTGG[T>C]CCTTATACCTGTTGGGTTCTAACCCAGAAGTCCAGAAAAAAGTGGATCATGAATTGGATG-3'
Protein context (NP_997235.3, residues 331-351): HDTTAAAINW[Ser341Pro]LYLLGSNPEV

ClinVar aggregate classification (germline): Pathogenic (0 of 4 stars; one submission).

Conditions:
Bietti crystalline corneoretinal dystrophy (BCD). Also called: Bietti Crystalline Dystrophy; BIETTI TAPETORETINAL DEGENERATION WITH MARGINAL CORNEAL DYSTROPHY. Identifiers: Orphanet 41751, MedGen C1859486, MONDO:0008865, OMIM 210370.

Allele frequency attached by ClinVar (database versions not stated): gnomAD exomes below 0.00001.

Submission:

GeneReviews
Classification: Pathogenic for Bietti Crystalline Dystrophy. Last evaluated: 2012-04-12. Review status: no assertion criteria provided. Collection method: curation. Allele origin: unknown.
ClinVar note: Converted during submission from pathologic to Pathogenic.